The following is an entry in ClinVar:

NM_001291303.3(FAT4):c.8059C>T (p.Arg2687Ter)

Gene: FAT4 (FAT atypical cadherin 4; plus strand). Cytogenetic location: 4q28.1.
Variant type: single nucleotide variant.
Coding change: c.8059C>T on transcript NM_001291303.3 (MANE Select); coding-DNA position 8059, C replaced by T.
Protein change: p.Arg2687Ter; replaces arginine 2687 with a stop codon.
Molecular consequence: nonsense.
Genome position (GRCh38, 1-based): chr4:125,449,069, C>T. VCF-style: chr4-125449069-C-T. GRCh37 (hg19) VCF-style: chr4-126370224-C-T.
Other names: c.8059C>T, p.Arg2687Ter (NM_001291285.3); c.8053C>T, p.Arg2685Ter (NM_024582.6); short protein forms R2687*, R2685*.
Identifiers: ClinVar variation 3694574 (VCV003694574.2).

ClinVar aggregate classification (germline): Pathogenic (1 of 4 stars; one submission).

Submission:

Labcorp Genetics (formerly Invitae), Labcorp
Classification: Pathogenic. Last evaluated: 2025-06-05. Review status: criteria provided, single submitter. Criteria: Invitae Variant Classification Sherloc (09022015). Collection method: clinical testing. Allele origin: germline.
Comment: This sequence change creates a premature translational stop signal (p.Arg2685*) in the FAT4 gene. It is expected to result in an absent or disrupted protein product. Loss-of-function variants in FAT4 are known to be pathogenic (PMID: 24056717, 24913602). This variant is not present in population databases (gnomAD no frequency). This variant has not been reported in the literature in individuals affected with FAT4-related conditions. ClinVar contains an entry for this variant (Variation ID: 3694574). For these reasons, this variant has been classified as Pathogenic.

Literature cited by the submitters: PubMed 24056717; PubMed 24913602.